The following is an entry in ClinVar:

ClinVar aggregate classification (germline): Pathogenic. Review status: reviewed by expert panel (3 of 4 stars). 11 submissions from 11 submitters: Pathogenic (1). 10 of the submissions do not count toward it. Last evaluated 2016-10-18.

Conditions:
Inherited breast cancer and ovarian cancer.
Hereditary cancer-predisposing syndrome. Also called: Hereditary neoplastic syndrome; Hereditary Cancer Syndrome; Neoplastic Syndromes, Hereditary; Tumor predisposition. Identifiers: Orphanet 140162, MedGen C0027672, MeSH D009386, MONDO:0015356.
Hereditary breast ovarian cancer syndrome. Also called: BRCA1- and BRCA2-Associated Hereditary Breast and Ovarian Cancer; Breast and ovarian cancer; Hereditary breast and/or ovarian cancer syndrome; Hereditary breast and ovarian cancer syndrome (HBOC); Hereditary breast and ovarian cancer syndrome; Hereditary breast and ovarian cancer. Identifiers: Orphanet 145, MedGen C0677776, MeSH D061325, MONDO:0003582. Disease mechanism: loss of function.
Breast-ovarian cancer, familial, susceptibility to, 2 (BROVCA2). Also called: BRCA2 Hereditary Breast and Ovarian Cancer. Identifiers: Orphanet 145, MedGen C2675520, MONDO:0012933, OMIM 612555. Disease mechanism: loss of function.
Breast-ovarian cancer, familial, susceptibility to, 1 (BROVCA1). Also called: OVARIAN CANCER, SUSCEPTIBILITY TO; BRCA1 Hereditary Breast and Ovarian Cancer. Identifiers: Orphanet 145, MedGen C2676676, MONDO:0011450, OMIM 604370. Disease mechanism: loss of function.

Submissions (11):

Evidence-based Network for the Interpretation of Germline Mutant Alleles (ENIGMA)
Classification: Pathogenic for Breast-ovarian cancer, familial, susceptibility to, 2. Last evaluated: 2016-10-18. Review status: reviewed by expert panel. Criteria: ENIGMA BRCA1/2 Classification Criteria (2015). Collection method: curation. Allele origin: germline.
Comment: Variant allele predicted to encode a truncated non-functional protein.

Ambry Genetics
Classification: Pathogenic for Hereditary cancer-predisposing syndrome. Last evaluated: 2025-12-04. Review status: criteria provided, single submitter. Criteria: Ambry Variant Classification Scheme 2023. Collection method: clinical testing. Allele origin: germline. Not counted in ClinVar's aggregate classification.
Comment: The c.8021dupA pathogenic mutation, located in coding exon 17 of the BRCA2 gene, results from a duplication of A at nucleotide position 8021, causing a translational frameshift with a predicted alternate stop codon (p.I2675Dfs*6). This alteration is expected to result in loss of function by premature protein truncation or nonsense-mediated mRNA decay. As such, this alteration is interpreted as a disease-causing mutation.

Genetics Laboratory, Great Ormond Street Hospital NHS Foundation Trust, North Thames Genomic Laboratory Hub
Classification: Pathogenic for Inherited breast cancer and ovarian cancer. Last evaluated: 2025-10-13. Review status: criteria provided, single submitter. Criteria: CanVIG BRCA Gene Specific V1.22. Collection method: clinical testing. Allele origin: germline. Affected: yes. Not counted in ClinVar's aggregate classification.
Comment: PS4_moderate, PM2_moderate, PVS1_very-strong, PM5_strong

Labcorp Genetics (formerly Invitae), Labcorp
Classification: Pathogenic for Hereditary breast ovarian cancer syndrome. Last evaluated: 2025-08-09. Review status: criteria provided, single submitter. Criteria: Invitae Variant Classification Sherloc (09022015). Collection method: clinical testing. Allele origin: germline. Not counted in ClinVar's aggregate classification.
Comment: This sequence change creates a premature translational stop signal (p.Ile2675Aspfs*6) in the BRCA2 gene. It is expected to result in an absent or disrupted protein product. Loss-of-function variants in BRCA2 are known to be pathogenic (PMID: 20104584). This variant is not present in population databases (gnomAD no frequency). This premature translational stop signal has been observed in individual(s) with head and neck cancer and breast and/or ovarian cancer (PMID: 26787237, 29383094, 29752822, 30078507). This variant is also known as c.8016dupA or c.8015_8016insA. ClinVar contains an entry for this variant (Variation ID: 267050). For these reasons, this variant has been classified as Pathogenic.

Color Diagnostics, LLC DBA Color Health
Classification: Pathogenic for Hereditary cancer-predisposing syndrome. Last evaluated: 2024-03-11. Review status: criteria provided, single submitter. Criteria: ACMG Guidelines, 2015. Collection method: clinical testing. Allele origin: germline. Not counted in ClinVar's aggregate classification.
Comment: This variant inserts 1 nucleotide in exon 18 of the BRCA2 gene, creating a frameshift and premature translation stop signal. This variant is expected to result in an absent or non-functional protein product. This variant has been reported in at least 3 individuals affected with breast or ovarian cancer (PMID: 29383094, 30078507, 29752822). This variant has not been identified in the general population by the Genome Aggregation Database (gnomAD). Loss of BRCA2 function is a known mechanism of disease. Based on the available evidence, this variant is classified as Pathogenic.

All of Us Research Program, National Institutes of Health
Classification: Pathogenic for Breast-ovarian cancer, familial, susceptibility to, 2. Last evaluated: 2023-12-06. Review status: criteria provided, single submitter. Criteria: ACMG Guidelines, 2015. Collection method: clinical testing. Allele origin: germline. Inheritance: Autosomal dominant inheritance. Observed: 1 variant allele, 1 heterozygote. Not counted in ClinVar's aggregate classification.
Comment: The c.8021dup (p.Ile2675Aspfs*6) variant in the BRCA2 gene is located on the exon 18 and is predicted to result in a frameshift that introduces a premature translation termination codon, resulting in an absent or disrupted protein product. This variant has been identified in individuals with breast or ovarian cancer (PMID: 30078507, 29383094). Loss-of-function variants of BRCA2 are known to be pathogenic (PMID: 8988179, 11897832, 29446198). The variant is reported in ClinVar as pathogenic (ID: 267050) and reviewed by the expert panel. The variant is absent in the general population database (gnomAD). Therefore, the c.8021dup (p.Ile2675Aspfs*6) variant in the BRCA2 gene has been classified as pathogenic.

This study involves interpretation of variants in research participants for the purpose of population health screening. Participant phenotype was not available at the time of variant classification. Additional details can be found in publication PMID: 35346344, PMCID: PMC8962531

Mayo Clinic Laboratories, Mayo Clinic
Classification: Pathogenic. Last evaluated: 2023-12-05. Review status: criteria provided, single submitter. Criteria: ACMG Guidelines, 2015. Collection method: clinical testing. Allele origin: germline. Observed: 1 variant allele. Not counted in ClinVar's aggregate classification.
Comment: PM2, PM5_strong, PVS1

Department of Molecular Diagnostics, Institute of Oncology Ljubljana
Classification: Pathogenic for Breast-ovarian cancer, familial, susceptibility to, 1. Last evaluated: 2020-04-02. Review status: criteria provided, single submitter. Criteria: ACMG Guidelines, 2015. Collection method: clinical testing. Allele origin: germline. Affected: yes. Not counted in ClinVar's aggregate classification.

GeneDx
Classification: Pathogenic. Last evaluated: 2019-06-04. Review status: criteria provided, single submitter. Criteria: GeneDx Variant Classification Process June 2021. Collection method: clinical testing. Allele origin: germline. Affected: yes. Not counted in ClinVar's aggregate classification.
Comment: Frameshift variant predicted to result in protein truncation or nonsense mediated decay in a gene for which loss-of-function is a known mechanism of disease; Not observed in large population cohorts (Lek et al., 2016); This variant is associated with the following publications: (PMID: 24755471, 23047548, 26787237, 29752822, 30078507, 31825140)

Consortium of Investigators of Modifiers of BRCA1/2 (CIMBA), c/o University of Cambridge
Classification: Pathogenic for Breast-ovarian cancer, familial, susceptibility to, 2. Last evaluated: 2015-10-02. Review status: criteria provided, single submitter. Criteria: CIMBA Mutation Classification guidelines May 2016. Collection method: clinical testing. Allele origin: germline. Not counted in ClinVar's aggregate classification.

Juno Genomics, Hangzhou Juno Genomics, Inc
Classification: Pathogenic for Breast-ovarian cancer, familial, susceptibility to, 2. Review status: criteria provided, single submitter. Criteria: ACMG Guidelines, 2015. Collection method: clinical testing. Allele origin: germline. Not counted in ClinVar's aggregate classification.
Comment: Null variant in a gene where loss of function (LOF) is a known mechanism of disease.;Novel missense change at an amino acid residue where a different missense change determined to be pathogenic has been seen before.

Literature cited by the submitters: PubMed 26787237 (cited by Ambry Genetics and Labcorp Genetics (formerly Invitae), Labcorp); PubMed 20104584 (cited by Labcorp Genetics (formerly Invitae), Labcorp); PubMed 29383094 (cited by 3 submitters); PubMed 29752822 (cited by 3 submitters); PubMed 30078507 (cited by 4 submitters); PubMed 8988179 (cited by All of Us Research Program, National Institutes of Health); PubMed 11897832 (cited by All of Us Research Program, National Institutes of Health); PubMed 29446198 (cited by All of Us Research Program, National Institutes of Health).

NM_000059.4(BRCA2):c.8021dup (p.Ile2675fs)

Gene: BRCA2 (BRCA2 DNA repair associated; plus strand). Cytogenetic location: 13q13.1.
Variant type: Duplication.
Coding change: c.8021dup on transcript NM_000059.4 (MANE Select); coding-DNA position 8021, one base duplicated (A; older notation c.8021dupA).
Protein change: p.Ile2675fs; shifts the reading frame from isoleucine 2675.
Molecular consequence: frameshift variant.
Genome position (GRCh38, 1-based): chr13:32,363,223, A duplicated; the last of 6 consecutive A bases (chr13:32,363,218-32,363,223); duplicating any one gives the same sequence. VCF-style (leftmost placement, unchanged base first): chr13-32363217-T-TA. GRCh37 (hg19) VCF-style: chr13-32937354-T-TA.
Other names: 8249insA; p.Ile2675Aspfs*6; c.8021dupA (NM_000059.3); short protein forms I2675fs.
Identifiers: ClinVar variation 267050 (VCV000267050.31), dbSNP rs397507952, ClinGen allele CA10589464.
Genomic context (GRCh38, chr13:32,363,217, plus strand): 5'-GCATTTTTGTTTTCACTTTTAGATATGATACGGAAATTGATAGAAGCAGAAGATCGGCTA[T>TA]AAAAAAGATAATGGAAAGGGATGACACAGCTGCAAAAACACTTGTTCTCTGTGTTTCTGA-3'